The following is an entry in ClinVar:

NM_020937.4(FANCM):c.6047A>C (p.His2016Pro)

Gene: FANCM (FA complementation group M; plus strand). Cytogenetic location: 14q21.2.
Variant type: single nucleotide variant.
Coding change: c.6047A>C on transcript NM_020937.4 (MANE Select); coding-DNA position 6047, A replaced by C.
Protein change: p.His2016Pro; replaces histidine 2016 with proline.
Molecular consequence: missense variant.
Genome position (GRCh38, 1-based): chr14:45,199,908, A>C. VCF-style: chr14-45199908-A-C. GRCh37 (hg19) VCF-style: chr14-45669111-A-C.
Other names: c.5969A>C, p.His1990Pro (NM_001308133.2); short protein forms H1990P, H2016P.
Identifiers: ClinVar variation 4022677 (VCV004022677.1).

ClinVar aggregate classification (germline): Uncertain significance (1 of 4 stars; one submission).

Conditions:
Inborn genetic diseases. Identifiers: MedGen C0950123, MeSH D030342.

Submission:

Ambry Genetics
Classification: Uncertain significance for Inborn genetic diseases. Last evaluated: 2025-04-11. Review status: criteria provided, single submitter. Criteria: Ambry Variant Classification Scheme 2023. Collection method: clinical testing. Allele origin: germline.
Comment: The p.H2016P variant (also known as c.6047A>C), located in coding exon 23 of the FANCM gene, results from an A to C substitution at nucleotide position 6047. The histidine at codon 2016 is replaced by proline, an amino acid with similar properties. This amino acid position is conserved. In addition, this alteration is predicted to be tolerated by in silico analysis. Based on the available evidence, the clinical significance of this variant remains unclear.